The following is an entry in ClinVar:

NM_006393.3(NEBL):c.2215A>G (p.Lys739Glu)

Gene: NEBL (nebulette; minus strand). Cytogenetic location: 10p12.31.
Variant type: single nucleotide variant.
Coding change: c.2215A>G on transcript NM_006393.3 (MANE Select); coding-DNA position 2215, A replaced by G.
Protein change: p.Lys739Glu; replaces lysine 739 with glutamic acid.
Molecular consequence: missense variant. On other transcripts: intron variant (9).
Genome position (GRCh38, 1-based): chr10:20,815,651, T>C on the plus strand (A>G on the coding strand, the complement: NEBL is on the minus strand). VCF-style: chr10-20815651-T-C. GRCh37 (hg19) VCF-style: chr10-21104580-T-C.
Other names: c.250-2711A>G (NM_001377326.1, NM_001377327.1, NM_001377328.1); c.358-2711A>G (NM_213569.2, NM_001173484.2, NM_001377322.1); c.301-2711A>G (NM_001377324.1); c.292-2711A>G (NM_001377325.1); c.310-2711A>G (NM_001377323.1); short protein forms K739E.
Identifiers: ClinVar variation 3878612 (VCV003878612.2).

ClinVar aggregate classification (germline): Uncertain significance. Review status: criteria provided, multiple submitters, no conflicts (2 of 4 stars). 2 submissions from 2 submitters: Uncertain significance (2). Last evaluated 2026-01-21.

Conditions:
Primary dilated cardiomyopathy (DCM). Also called: Dilated Cardiomyopathy. Identifiers: Orphanet 217604, MedGen C0007193, MeSH D002311, MONDO:0005021, HP:0001644. Inheritance: Various modes of inheritance.

gnomAD v4.1: 1 of 1,611,986 alleles (0.000062%); highest among the groups gnomAD compares: Non-Finnish European, 0.000085%; no homozygotes.

Submissions (2):

Labcorp Genetics (formerly Invitae), Labcorp
Classification: Uncertain significance for Primary dilated cardiomyopathy. Last evaluated: 2026-01-21. Review status: criteria provided, single submitter. Criteria: Invitae Variant Classification Sherloc (09022015). Collection method: clinical testing. Allele origin: germline.
Comment: This sequence change replaces lysine, which is basic and polar, with glutamic acid, which is acidic and polar, at codon 739 of the NEBL protein (p.Lys739Glu). This variant is not present in population databases (gnomAD no frequency). This variant has not been reported in the literature in individuals affected with NEBL-related conditions. ClinVar contains an entry for this variant (Variation ID: 3878612). An algorithm developed to predict the effect of missense changes on protein structure and function (PolyPhen-2) suggests that this variant is likely to be disruptive. In summary, the available evidence is currently insufficient to determine the role of this variant in disease. Therefore, it has been classified as a Variant of Uncertain Significance.

Ambry Genetics
Classification: Uncertain significance. Last evaluated: 2024-12-14. Review status: criteria provided, single submitter. Criteria: Ambry Variant Classification Scheme 2023. Collection method: clinical testing. Allele origin: germline.
Comment: The p.K739E variant (also known as c.2215A>G), located in coding exon 22 of the NEBL gene, results from an A to G substitution at nucleotide position 2215. The lysine at codon 739 is replaced by glutamic acid, an amino acid with similar properties. This amino acid position is conserved. In addition, the in silico prediction for this alteration is inconclusive. Based on the available evidence, the clinical significance of this variant remains unclear.